The following is an entry in ClinVar:

NM_016729.3(FOLR1):c.428G>A (p.Trp143Ter)

Genes: FOLR1-AS1 (FOLR1 antisense RNA 1; minus strand), FOLR1 (folate receptor alpha; plus strand). Cytogenetic location: 11q13.4.
Variant type: single nucleotide variant.
Coding change: c.428G>A on transcript NM_016729.3 (MANE Select); coding-DNA position 428, G replaced by A.
Protein change: p.Trp143Ter; replaces tryptophan 143 with a stop codon.
Molecular consequence: nonsense.
Genome position (GRCh38, 1-based): chr11:72,195,682, G>A. VCF-style: chr11-72195682-G-A. GRCh37 (hg19) VCF-style: chr11-71906726-G-A.
Other names: c.428G>A, p.Trp143Ter (NM_000802.3, NM_016724.3, NM_016725.3); short protein forms W143*.
Identifiers: ClinVar variation 1073567 (VCV001073567.7), dbSNP rs2135388735, ClinGen allele CA381733384.

ClinVar aggregate classification (germline): Pathogenic (1 of 4 stars; one submission).

Conditions:
Cerebral folate transport deficiency. Also called: Cerebral folate deficiency syndrome; FOLR1-Related Cerebral Folate Transport Deficiency; Neurodegenerative syndrome due to cerebral folate transport deficiency; FOLATE RECEPTOR DEFICIENCY; NEURODEGENERATION DUE TO CEREBRAL FOLATE TRANSPORT DEFICIENCY. Identifiers: Orphanet 217382, MedGen C2751584, MONDO:0013110, OMIM 613068. Disease mechanism: loss of function.

Submission:

Labcorp Genetics (formerly Invitae), Labcorp
Classification: Pathogenic for Cerebral folate transport deficiency. Last evaluated: 2023-08-10. Review status: criteria provided, single submitter. Criteria: Invitae Variant Classification Sherloc (09022015). Collection method: clinical testing. Allele origin: germline.
Comment: This sequence change creates a premature translational stop signal (p.Trp143*) in the FOLR1 gene. It is expected to result in an absent or disrupted protein product. Loss-of-function variants in FOLR1 are known to be pathogenic (PMID: 19732866, 22586289). This variant is not present in population databases (gnomAD no frequency). This premature translational stop signal has been observed in individual(s) with cerebral folate transporter deficiency syndrome (PMID: 34008900). ClinVar contains an entry for this variant (Variation ID: 1073567). For these reasons, this variant has been classified as Pathogenic.

Literature cited by the submitters: PubMed 19732866; PubMed 22586289; PubMed 34008900.